The following is an entry in ClinVar:

NM_000478.6(ALPL):c.422C>T (p.Thr141Ile)

Gene: ALPL (alkaline phosphatase, biomineralization associated; plus strand). Cytogenetic location: 1p36.12.
Variant type: single nucleotide variant.
Coding change: c.422C>T on transcript NM_000478.6 (MANE Select); coding-DNA position 422, C replaced by T.
Protein change: p.Thr141Ile; replaces threonine 141 with isoleucine.
Molecular consequence: missense variant.
Genome position (GRCh38, 1-based): chr1:21,563,234, C>T. VCF-style: chr1-21563234-C-T. GRCh37 (hg19) VCF-style: chr1-21889727-C-T.
Other names: c.257C>T, p.Thr86Ile (NM_001127501.4); c.191C>T, p.Thr64Ile (NM_001177520.3); c.422C>T, p.Thr141Ile (NM_001369803.2, NM_001369804.2, NM_001369805.2); short protein forms T64I, T86I, T141I.
Identifiers: ClinVar variation 1465466 (VCV001465466.9), dbSNP rs916300043, ClinGen allele CA19059333.

ClinVar aggregate classification (germline): Likely pathogenic. Review status: criteria provided, multiple submitters, no conflicts (2 of 4 stars). 3 submissions from 3 submitters: Likely pathogenic (3). Last evaluated 2025-08-29.

Conditions:
Hypophosphatasia. Also called: Phosphoethanol-aminuria. Identifiers: Orphanet 436, MedGen C0020630, MeSH D007014, MONDO:0018570.

Allele frequency attached by ClinVar (database versions not stated): gnomAD 0.00001.
gnomAD v4.1: 16 of 1,613,688 alleles (0.00099%); highest among the groups gnomAD compares: Non-Finnish European, 0.0014%; no homozygotes.

Submissions (3):

Genomenon, Inc
Classification: Likely pathogenic for Hypophosphatasia. Last evaluated: 2025-08-29. Review status: criteria provided, single submitter. Criteria: Genomenon Sequence Variant Interpretation Standards. Collection method: curation. Allele origin: germline. Affected: yes.
Comment: ALPL c.422C>T is a missense variant that changes the amino acid at residue 141 from Threonine to Isoleucine. This variant has been observed in at least one proband affected with hypophosphatasia (PMID:32973344;32811521). Functional studies have been reported;however, the significance of the findings remain unclear (PMID:32160374). It is absent or not present at a significant frequency in gnomAD. In silico models agree that this variant is possibly or probably damaging. In conclusion, we classify ALPL p.Thr141Ile (c.422C>T) as a likely pathogenic variant.

Women's Health and Genetics/Laboratory Corporation of America, LabCorp
Classification: Likely pathogenic for Hypophosphatasia. Last evaluated: 2025-07-31. Review status: criteria provided, single submitter. Criteria: LabCorp Variant Classification Summary - May 2015. Collection method: clinical testing. Allele origin: germline.
Comment: Variant summary: ALPL c.422C>T (p.Thr141Ile) results in a non-conservative amino acid change located in the Alkaline phosphatase domain (IPR001952) of the encoded protein sequence. Algorithms developed to predict the effect of missense changes on protein structure and function all suggest that this variant is likely to be disruptive. The variant was absent in 250596 control chromosomes (gnomAD). c.422C>T has been reported in the literature in two individuals affected with Hypophosphatasia (example, DelAngel_2020). A GWAS study using UK Biobank participants suggest the variant was associated with phenotypes of abnormlal Alkaline phosphatase (Backman_2021). These data indicate that the variant is likely to be associated with disease. A different variant affecting the same codon has been classified as likely pathogenic/pathogenic by our lab (c.422C>A, p.Thr141Asn), supporting the critical relevance of codon 141 to ALPL protein function. At least one publication reports experimental evidence evaluating an impact on protein function. The most pronounced variant effect results in about 61% of normal activity in vitro (DelAngel_2020). The following publications have been ascertained in the context of this evaluation (PMID: 34662886, 32160374). ClinVar contains an entry for this variant (Variation ID: 1465466). Based on the evidence outlined above, the variant was classified as likely pathogenic.

Labcorp Genetics (formerly Invitae), Labcorp
Classification: Likely pathogenic. Last evaluated: 2022-04-28. Review status: criteria provided, single submitter. Criteria: Invitae Variant Classification Sherloc (09022015). Collection method: clinical testing. Allele origin: germline.
Comment: In summary, the currently available evidence indicates that the variant is pathogenic, but additional data are needed to prove that conclusively. Therefore, this variant has been classified as Likely Pathogenic. This variant disrupts the p.Thr141 amino acid residue in ALPL. Other variant(s) that disrupt this residue have been observed in individuals with ALPL-related conditions (PMID: 25731960), which suggests that this may be a clinically significant amino acid residue. Experimental studies have shown that this missense change affects ALPL function (PMID: 32160374). Advanced modeling of protein sequence and biophysical properties (such as structural, functional, and spatial information, amino acid conservation, physicochemical variation, residue mobility, and thermodynamic stability) performed at Invitae indicates that this missense variant is expected to disrupt ALPL protein function. This missense change has been observed in individuals with hypophosphatasia (PMID: 32160374, 32811521). This variant is not present in population databases (gnomAD no frequency). This sequence change replaces threonine, which is neutral and polar, with isoleucine, which is neutral and non-polar, at codon 141 of the ALPL protein (p.Thr141Ile).

Literature cited by the submitters: PubMed 32973344 (cited by Genomenon, Inc); PubMed 32811521 (cited by Genomenon, Inc and Labcorp Genetics (formerly Invitae), Labcorp); PubMed 32160374 (cited by 3 submitters); PubMed 34662886 (cited by Women's Health and Genetics/Laboratory Corporation of America, LabCorp); PubMed 25731960 (cited by Labcorp Genetics (formerly Invitae), Labcorp).